The following is an entry in ClinVar:

ClinVar aggregate classification (germline): Likely benign (1 of 4 stars; one submission).

Conditions:
APRT-related disorder. Also called: APRT-related condition.

Submission:

PreventionGenetics, part of Exact Sciences
Classification: Likely benign for APRT-related condition. Last evaluated: 2025-06-18. Review status: criteria provided, single submitter. Criteria: ACMG Guidelines, 2015. Collection method: clinical testing. Allele origin: germline.
Comment: This variant is classified as likely benign based on ACMG/AMP sequence variant interpretation guidelines (Richards et al. 2015 PMID: 25741868, with internal and published modifications).

NM_000485.3(APRT):c.84C>T (p.Asp28=)

Gene: APRT (adenine phosphoribosyltransferase; minus strand). Cytogenetic location: 16q24.3.
Variant type: single nucleotide variant.
Coding change: c.84C>T on transcript NM_000485.3 (MANE Select); coding-DNA position 84, C replaced by T.
Protein change: p.Asp28=; no amino-acid change (aspartic acid 28 retained).
Molecular consequence: synonymous variant.
Genome position (GRCh38, 1-based): chr16:88,811,653, G>A on the plus strand (C>T on the coding strand, the complement: APRT is on the minus strand). VCF-style: chr16-88811653-G-A. GRCh37 (hg19) VCF-style: chr16-88878061-G-A.
Other names: c.84C>T, p.Asp28= (NM_001030018.2).
Identifiers: ClinVar variation 4988247 (VCV004988247.1).